The following is an entry in ClinVar:

NM_005006.7(NDUFS1):c.1833A>G (p.Thr611=)

Gene: NDUFS1 (NADH:ubiquinone oxidoreductase core subunit S1; minus strand). Cytogenetic location: 2q33.3.
Variant type: single nucleotide variant.
Coding change: c.1833A>G on transcript NM_005006.7 (MANE Select); coding-DNA position 1833, A replaced by G.
Protein change: p.Thr611=; no amino-acid change (threonine 611 retained).
Molecular consequence: synonymous variant.
Genome position (GRCh38, 1-based): chr2:206,127,848, T>C on the plus strand (A>G on the coding strand, the complement: NDUFS1 is on the minus strand). VCF-style: chr2-206127848-T-C. GRCh37 (hg19) VCF-style: chr2-206992572-T-C.
Other names: c.1875A>G, p.Thr625= (NM_001199984.2); c.1662A>G, p.Thr554= (NM_001199983.2); c.1725A>G, p.Thr575= (NM_001199981.2); c.1500A>G, p.Thr500= (NM_001199982.2).
Identifiers: ClinVar variation 4872536 (VCV004872536.2).

ClinVar aggregate classification (germline): Likely benign (1 of 4 stars; one submission).

gnomAD v4.1: 187 of 1,613,952 alleles (0.012%); highest among the groups gnomAD compares: Non-Finnish European, 0.015%; no homozygotes.

Submission:

CeGaT Center for Human Genetics Tuebingen
Classification: Likely benign. Last evaluated: 2026-05-01. Review status: criteria provided, single submitter. Criteria: CeGaT Center For Human Genetics Tuebingen Variant Classification Criteria Version 2. Collection method: clinical testing. Allele origin: germline. Affected: yes. Observed: 1 variant allele.
Comment: NDUFS1: BP4, BP7